The following is an entry in ClinVar:

NM_001693.4(ATP6V1B2):c.291G>C (p.Gln97His)

Gene: ATP6V1B2 (ATPase H+ transporting V1 subunit B2; plus strand). Cytogenetic location: 8p21.3.
Variant type: single nucleotide variant.
Coding change: c.291G>C on transcript NM_001693.4 (MANE Select); coding-DNA position 291, G replaced by C.
Protein change: p.Gln97His; replaces glutamine 97 with histidine.
Molecular consequence: missense variant.
Genome position (GRCh38, 1-based): chr8:20,209,531, G>C. VCF-style: chr8-20209531-G-C. GRCh37 (hg19) VCF-style: chr8-20067042-G-C.
Other names: short protein forms Q97H.
Identifiers: ClinVar variation 3368689 (VCV003368689.1).

ClinVar aggregate classification (germline): Uncertain significance (1 of 4 stars; one submission).

Submission:

GeneDx
Classification: Uncertain significance. Last evaluated: 2024-02-05. Review status: criteria provided, single submitter. Criteria: GeneDx Variant Classification Process June 2021. Collection method: clinical testing. Allele origin: germline. Affected: yes.
Comment: Not observed at significant frequency in large population cohorts (gnomAD); In silico analysis supports that this missense variant has a deleterious effect on protein structure/function; Has not been previously published as pathogenic or benign to our knowledge